The following is an entry in ClinVar:

ClinVar aggregate classification (germline): Uncertain significance (1 of 4 stars; one submission).

Conditions:
Developmental and epileptic encephalopathy, 23 (DEE23). Also called: Epileptic encephalopathy, early infantile, 23. Identifiers: Orphanet 411986, MedGen C4014492, MONDO:0014371, OMIM 615859.

Allele frequency attached by ClinVar (database versions not stated): ExAC 0.00001; gnomAD 0.00001; TOPMed 0.00001; gnomAD exomes 0.00003.
gnomAD v4.1: 48 of 1,613,494 alleles (0.003%); highest among the groups gnomAD compares: Non-Finnish European, 0.0041%; no homozygotes.

Submission:

Labcorp Genetics (formerly Invitae), Labcorp
Classification: Uncertain significance for Developmental and epileptic encephalopathy, 23. Last evaluated: 2022-01-07. Review status: criteria provided, single submitter. Criteria: Invitae Variant Classification Sherloc (09022015). Collection method: clinical testing. Allele origin: germline.
Comment: This sequence change replaces tyrosine, which is neutral and polar, with cysteine, which is neutral and slightly polar, at codon 27 of the DOCK7 protein (p.Tyr27Cys). This variant is present in population databases (rs771576993, gnomAD 0.0009%). This variant has not been reported in the literature in individuals affected with DOCK7-related conditions. Algorithms developed to predict the effect of missense changes on protein structure and function are either unavailable or do not agree on the potential impact of this missense change (SIFT: "Deleterious"; PolyPhen-2: "Possibly Damaging"; Align-GVGD: "Class C0"). In summary, the available evidence is currently insufficient to determine the role of this variant in disease. Therefore, it has been classified as a Variant of Uncertain Significance.

NM_001367561.1(DOCK7):c.80A>G (p.Tyr27Cys)

Gene: DOCK7 (dedicator of cytokinesis 7; minus strand). Cytogenetic location: 1p31.3.
Variant type: single nucleotide variant.
Coding change: c.80A>G on transcript NM_001367561.1 (MANE Select); coding-DNA position 80, A replaced by G.
Protein change: p.Tyr27Cys; replaces tyrosine 27 with cysteine.
Molecular consequence: missense variant.
Genome position (GRCh38, 1-based): chr1:62,663,089, T>C on the plus strand (A>G on the coding strand, the complement: DOCK7 is on the minus strand). VCF-style: chr1-62663089-T-C. GRCh37 (hg19) VCF-style: chr1-63128760-T-C.
Other names: c.80A>G, p.Tyr27Cys (NM_001271999.2, NM_001272000.2, NM_001272001.2 and 3 more transcripts); short protein forms Y27C.
Identifiers: ClinVar variation 2077190 (VCV002077190.1), dbSNP rs771576993, ClinGen allele CA887286.